The following is an entry in ClinVar:

NM_004629.2(FANCG):c.419A>G (p.His140Arg)

Gene: FANCG (FA complementation group G; minus strand). Cytogenetic location: 9p13.3.
Variant type: single nucleotide variant.
Coding change: c.419A>G on transcript NM_004629.2 (MANE Select); coding-DNA position 419, A replaced by G.
Protein change: p.His140Arg; replaces histidine 140 with arginine.
Molecular consequence: missense variant.
Genome position (GRCh38, 1-based): chr9:35,078,232, T>C on the plus strand (A>G on the coding strand, the complement: FANCG is on the minus strand). VCF-style: chr9-35078232-T-C. GRCh37 (hg19) VCF-style: chr9-35078229-T-C.
Other names: short protein forms H140R.
Identifiers: ClinVar variation 3848467 (VCV003848467.1).

ClinVar aggregate classification (germline): Uncertain significance (1 of 4 stars; one submission).

Conditions:
Inborn genetic diseases. Identifiers: MedGen C0950123, MeSH D030342.

Submission:

Ambry Genetics
Classification: Uncertain significance for Inborn genetic diseases. Last evaluated: 2025-03-12. Review status: criteria provided, single submitter. Criteria: Ambry Variant Classification Scheme 2023. Collection method: clinical testing. Allele origin: germline.
Comment: The p.H140R variant (also known as c.419A>G), located in coding exon 4 of the FANCG gene, results from an A to G substitution at nucleotide position 419. The histidine at codon 140 is replaced by arginine, an amino acid with highly similar properties. This amino acid position is conserved. In addition, this alteration is predicted to be deleterious by in silico analysis. Based on the available evidence, the clinical significance of this variant remains unclear.